The following is an entry in ClinVar:

NM_023936.2(MRPS34):c.77A>C (p.Asn26Thr)

Genes: EME2 (essential meiotic structure-specific endonuclease subunit 2; plus strand), MRPS34 (mitochondrial ribosomal protein S34; minus strand). Cytogenetic location: 16p13.3.
Variant type: single nucleotide variant.
Coding change: c.77A>C on transcript NM_023936.2 (MANE Select); coding-DNA position 77, A replaced by C.
Protein change: p.Asn26Thr; replaces asparagine 26 with threonine.
Molecular consequence: missense variant. On other transcripts: 5 prime UTR variant (1).
Genome position (GRCh38, 1-based): chr16:1,773,043, T>G on the plus strand (A>C on the coding strand, the complement: MRPS34 is on the minus strand). VCF-style: chr16-1773043-T-G. GRCh37 (hg19) VCF-style: chr16-1823044-T-G.
Other names: c.-185T>G (NM_001257370.2); c.77A>C, p.Asn26Thr (NM_001300900.2); short protein forms N26T.
Identifiers: ClinVar variation 1901270 (VCV001901270.4), dbSNP rs752492016, ClinGen allele CA7818439.

ClinVar aggregate classification (germline): Uncertain significance (1 of 4 stars; one submission).

Allele frequency attached by ClinVar (database versions not stated): gnomAD exomes 0.00003.
gnomAD v4.1: 37 of 1,431,236 alleles (0.0026%); highest among the groups gnomAD compares: Non-Finnish European, 0.0033%; no homozygotes.

Submission:

Labcorp Genetics (formerly Invitae), Labcorp
Classification: Uncertain significance. Last evaluated: 2022-02-26. Review status: criteria provided, single submitter. Criteria: Invitae Variant Classification Sherloc (09022015). Collection method: clinical testing. Allele origin: germline.
Comment: In summary, the available evidence is currently insufficient to determine the role of this variant in disease. Therefore, it has been classified as a Variant of Uncertain Significance. Algorithms developed to predict the effect of missense changes on protein structure and function (SIFT, PolyPhen-2, Align-GVGD) all suggest that this variant is likely to be tolerated. This variant has not been reported in the literature in individuals affected with MRPS34-related conditions. This variant is not present in population databases (gnomAD no frequency). This sequence change replaces asparagine, which is neutral and polar, with threonine, which is neutral and polar, at codon 26 of the MRPS34 protein (p.Asn26Thr).